The following is an entry in ClinVar:

NM_201384.3(PLEC):c.6763A>T (p.Ile2255Phe)

Gene: PLEC (plectin; minus strand). Cytogenetic location: 8q24.3.
Variant type: single nucleotide variant.
Coding change: c.6763A>T on transcript NM_201384.3 (MANE Select); coding-DNA position 6763, A replaced by T.
Protein change: p.Ile2255Phe; replaces isoleucine 2255 with phenylalanine.
Molecular consequence: missense variant.
Genome position (GRCh38, 1-based): chr8:143,923,166, T>A on the plus strand (A>T on the coding strand, the complement: PLEC is on the minus strand). VCF-style: chr8-143923166-T-A. GRCh37 (hg19) VCF-style: chr8-144997334-T-A.
Other names: c.6844A>T, p.Ile2282Phe (NM_000445.5); c.6721A>T, p.Ile2241Phe (NM_201378.4); c.6697A>T, p.Ile2233Phe (NM_201379.3); c.7174A>T, p.Ile2392Phe (NM_201380.4); c.6667A>T, p.Ile2223Phe (NM_201381.3); c.6763A>T, p.Ile2255Phe (NM_201382.4); c.6775A>T, p.Ile2259Phe (NM_201383.3); short protein forms I2241F, I2223F, I2233F, I2259F, I2282F, I2392F, I2255F.
Identifiers: ClinVar variation 643987 (VCV000643987.7), dbSNP rs1454445957, ClinGen allele CA372532671.

ClinVar aggregate classification (germline): Uncertain significance. Review status: criteria provided, multiple submitters, no conflicts (2 of 4 stars). 2 submissions from 2 submitters: Uncertain significance (2). Last evaluated 2025-03-10.

Conditions:
Epidermolysis bullosa simplex, Ogna type (EBS5A). Also called: Pidermolysis bullosa simplex 5A, Ogna type; EPIDERMOLYSIS BULLOSA SIMPLEX 5A, OGNA TYPE. Identifiers: Orphanet 79401, MedGen C0432317, MONDO:0007555, OMIM 131950.
Autosomal recessive limb-girdle muscular dystrophy type 2Q (LGMDR17). Also called: MUSCULAR DYSTROPHY, LIMB-GIRDLE, AUTOSOMAL RECESSIVE 17. Identifiers: Orphanet 254361, MedGen C3150989, MONDO:0013390, OMIM 613723.
Epidermolysis bullosa simplex with nail dystrophy (EBS5D). Identifiers: MedGen C4225309, MONDO:0014661, OMIM 616487.
Epidermolysis bullosa simplex 5B, with muscular dystrophy (EBS5B). Also called: Epidermolysis bullosa simplex with muscular dystrophy; EPIDERMOLYSIS BULLOSA SIMPLEX AND LIMB-GIRDLE MUSCULAR DYSTROPHY. Identifiers: Orphanet 257, MedGen C2931072, MONDO:0009181, OMIM 226670.
Epidermolysis bullosa simplex 5C, with pyloric atresia (EBS5C). Also called: PLEC-Related Epidermolysis Bullosa with Pyloric Atresia; Epidermolysis bullosa simplex with pyloric atresia; PLEC1-Related Epidermolysis Bullosa with Pyloric Atresia. Identifiers: Orphanet 158684, MedGen C2677349, MONDO:0012807, OMIM 612138.

Allele frequency attached by ClinVar (database versions not stated): TOPMed below 0.00001; gnomAD exomes 0.00001.
gnomAD v4.1: 11 of 1,602,644 alleles (0.00069%); highest among the groups gnomAD compares: Non-Finnish European, 0.00093%; no homozygotes.

Submissions (2):

Revvity Omics, Revvity
Classification: Uncertain significance. Last evaluated: 2025-03-10. Review status: criteria provided, single submitter. Criteria: ACMG Guidelines, 2015. Collection method: clinical testing. Allele origin: germline.

Labcorp Genetics (formerly Invitae), Labcorp
Classification: Uncertain significance for Autosomal recessive limb-girdle muscular dystrophy type 2Q; Epidermolysis bullosa simplex, Ogna type; Epidermolysis bullosa simplex with nail dystrophy; Epidermolysis bullosa simplex 5C, with pyloric atresia; Epidermolysis bullosa simplex 5B, with muscular dystrophy. Last evaluated: 2022-06-20. Review status: criteria provided, single submitter. Criteria: Invitae Variant Classification Sherloc (09022015). Collection method: clinical testing. Allele origin: germline.
Comment: In summary, the available evidence is currently insufficient to determine the role of this variant in disease. Therefore, it has been classified as a Variant of Uncertain Significance. Algorithms developed to predict the effect of missense changes on protein structure and function are either unavailable or do not agree on the potential impact of this missense change (SIFT: "Deleterious"; PolyPhen-2: "Probably Damaging"; Align-GVGD: "Class C0"). ClinVar contains an entry for this variant (Variation ID: 643987). This variant has not been reported in the literature in individuals affected with PLEC-related conditions. This variant is not present in population databases (gnomAD no frequency). This sequence change replaces isoleucine, which is neutral and non-polar, with phenylalanine, which is neutral and non-polar, at codon 2282 of the PLEC protein (p.Ile2282Phe).